The following is an entry in ClinVar:

ClinVar aggregate classification (germline): Benign/Likely benign. Review status: criteria provided, multiple submitters, no conflicts (2 of 4 stars). 3 submissions from 3 submitters: Benign (1); Likely benign (2). Last evaluated 2024-05-08.

Conditions:
Familial cancer of breast. Also called: Hereditary breast cancer; BREAST CANCER, FAMILIAL; hereditary breast carcinoma. Identifiers: Orphanet 227535, MedGen C0346153, MONDO:0016419, OMIM 114480. Disease mechanism: loss of function.
Ataxia-telangiectasia syndrome (AT). Also called: ATAXIA-TELANGIECTASIA, COMPLEMENTATION GROUP A; Ataxia telangiectasia (A-T); Cerebello-oculocutaneous telangiectasia; Immunodeficiency with ataxia telangiectasia; ATAXIA-TELANGIECTASIA, FRESNO VARIANT; Ataxia-telangiectasia, complementation group D. Identifiers: Orphanet 100, MedGen C0004135, MONDO:0008840, OMIM 208900.
Hereditary cancer-predisposing syndrome. Also called: Neoplastic Syndromes, Hereditary; Hereditary neoplastic syndrome; Tumor predisposition; Hereditary Cancer Syndrome. Identifiers: Orphanet 140162, MedGen C0027672, MeSH D009386, MONDO:0015356.

Allele frequency attached by ClinVar (database versions not stated): gnomAD exomes below 0.00001; TOPMed below 0.00001; gnomAD 0.00001.
gnomAD v4.1: 2 of 1,611,890 alleles (0.00012%); highest among the groups gnomAD compares: African/African-American, 0.0013%; no homozygotes.

Submissions (3):

Myriad Genetics, Inc.
Classification: Benign for Familial cancer of breast. Last evaluated: 2024-05-08. Review status: criteria provided, single submitter. Criteria: Myriad Autosomal Dominant, Autosomal Recessive and X-Linked Classification Criteria (2023). Collection method: clinical testing. Allele origin: unknown.
Comment: This variant is considered benign. This variant is a silent/synonymous amino acid change and it is not expected to impact splicing.

Labcorp Genetics (formerly Invitae), Labcorp
Classification: Likely benign for Ataxia-telangiectasia syndrome. Last evaluated: 2023-11-24. Review status: criteria provided, single submitter. Criteria: Invitae Variant Classification Sherloc (09022015). Collection method: clinical testing. Allele origin: germline.

Ambry Genetics
Classification: Likely benign for Hereditary cancer-predisposing syndrome. Last evaluated: 2021-09-30. Review status: criteria provided, single submitter. Criteria: Ambry Variant Classification Scheme 2023. Collection method: clinical testing. Allele origin: germline.

NM_000051.4(ATM):c.2379G>A (p.Lys793=)

Gene: ATM (ATM serine/threonine kinase; plus strand). Cytogenetic location: 11q22.3.
Variant type: single nucleotide variant.
Coding change: c.2379G>A on transcript NM_000051.4 (MANE Select); coding-DNA position 2379, G replaced by A.
Protein change: p.Lys793=; no amino-acid change (lysine 793 retained).
Molecular consequence: synonymous variant.
Genome position (GRCh38, 1-based): chr11:108,258,988, G>A. VCF-style: chr11-108258988-G-A. GRCh37 (hg19) VCF-style: chr11-108129715-G-A.
Other names: c.2379G>A, p.Lys793= (NM_001351834.2).
Identifiers: ClinVar variation 1132810 (VCV001132810.12), dbSNP rs1333875379, ClinGen allele CA476672802.